The following is an entry in ClinVar:

ClinVar aggregate classification (germline): Likely benign (1 of 4 stars; one submission).

gnomAD v4.1: 9,568 of 1,613,916 alleles (0.59%); highest among the groups gnomAD compares: Non-Finnish European, 0.67%; 36 homozygotes.

Submission:

CeGaT Center for Human Genetics Tuebingen
Classification: Likely benign. Last evaluated: 2024-02-01. Review status: criteria provided, single submitter. Criteria: CeGaT Center For Human Genetics Tuebingen Variant Classification Criteria Version 2. Collection method: clinical testing. Allele origin: germline. Affected: yes. Observed: 1 variant allele.
Comment: PXN: BS2

NM_001385981.1(PXN):c.379G>A (p.Ala127Thr)

Gene: PXN (paxillin; minus strand). Cytogenetic location: 12q24.23.
Variant type: single nucleotide variant.
Coding change: c.379G>A on transcript NM_001385981.1 (MANE Select); coding-DNA position 379, G replaced by A.
Protein change: p.Ala127Thr; replaces alanine 127 with threonine.
Molecular consequence: missense variant. On other transcripts: 5 prime UTR variant (1).
Genome position (GRCh38, 1-based): chr12:120,222,977, C>T on the plus strand (G>A on the coding strand, the complement: PXN is on the minus strand). VCF-style: chr12-120222977-C-T. GRCh37 (hg19) VCF-style: chr12-120660780-C-T.
Other names: c.379G>A, p.Ala127Thr (NM_001385987.1, NM_001385988.1, NM_001385989.1 and 9 more transcripts); c.373G>A, p.Ala125Thr (NM_001410986.1); c.-21G>A (NM_025157.5); short protein forms A125T, A127T.
Identifiers: ClinVar variation 3341535 (VCV003341535.16).